The following is an entry in ClinVar:

NM_025074.7(FRAS1):c.108+2T>C

Gene: FRAS1 (Fraser extracellular matrix complex subunit 1; plus strand). Cytogenetic location: 4q21.21.
Variant type: single nucleotide variant.
Coding change: c.108+2T>C on transcript NM_025074.7 (MANE Select); the canonical splice donor site of the intron after coding-DNA position 108, T replaced by C.
Molecular consequence: splice donor variant.
Genome position (GRCh38, 1-based): chr4:78,066,018, T>C. VCF-style: chr4-78066018-T-C. GRCh37 (hg19) VCF-style: chr4-78987172-T-C.
Other names: c.108+2T>C (NM_001166133.2).
Identifiers: ClinVar variation 3613063 (VCV003613063.2).

ClinVar aggregate classification (germline): Likely pathogenic (1 of 4 stars; one submission).

gnomAD v4.1: 23 of 1,602,516 alleles (0.0014%); highest among the groups gnomAD compares: Non-Finnish European, 0.002%; no homozygotes.

Submission:

Labcorp Genetics (formerly Invitae), Labcorp
Classification: Likely pathogenic. Last evaluated: 2024-02-02. Review status: criteria provided, single submitter. Criteria: Invitae Variant Classification Sherloc (09022015). Collection method: clinical testing. Allele origin: germline.
Comment: This sequence change affects a donor splice site in intron 2 of the FRAS1 gene. It is expected to disrupt RNA splicing. Variants that disrupt the donor or acceptor splice site typically lead to a loss of protein function (PMID: 16199547), and loss-of-function variants in FRAS1 are known to be pathogenic (PMID: 12766769, 18671281). This variant is present in population databases (no rsID available, gnomAD 0.002%). This variant has not been reported in the literature in individuals affected with FRAS1-related conditions. Algorithms developed to predict the effect of sequence changes on RNA splicing suggest that this variant may disrupt the consensus splice site. In summary, the currently available evidence indicates that the variant is pathogenic, but additional data are needed to prove that conclusively. Therefore, this variant has been classified as Likely Pathogenic.

Literature cited by the submitters: PubMed 16199547; PubMed 12766769; PubMed 18671281.